The following is an entry in ClinVar:

NM_181882.3(PRX):c.4317C>T (p.Ser1439=)

Gene: PRX (periaxin; minus strand). Cytogenetic location: 19q13.2.
Variant type: single nucleotide variant.
Coding change: c.4317C>T on transcript NM_181882.3 (MANE Select); coding-DNA position 4317, C replaced by T.
Protein change: p.Ser1439=; no amino-acid change (serine 1439 retained).
Molecular consequence: synonymous variant. On other transcripts: 3 prime UTR variant (1).
Genome position (GRCh38, 1-based): chr19:40,394,035, G>A on the plus strand (C>T on the coding strand, the complement: PRX is on the minus strand). VCF-style: chr19-40394035-G-A. GRCh37 (hg19) VCF-style: chr19-40899942-G-A.
Other names: c.*4522C>T (NM_020956.2).
Identifiers: ClinVar variation 416225 (VCV000416225.15), dbSNP rs372280596, ClinGen allele CA9443640.
Genomic context (GRCh38, chr19:40,394,035, plus strand): 5'-CGCAGCCTGAGCCCCCTCCATCCTGGCCGGGCCTGGAGCCCCTGTCTCTGAAAACCCCAC[G>A]CTGGGCAGCCGCACCCGCAATCCACCCTCTTCCTGGTCCCCACTCCCACTCCGGGCCTTG-3'
Protein context (NP_870998.2, residues 1429-1449): EEGGLRVRLP[Ser1439=]VGFSETGAPG

ClinVar aggregate classification (germline): Conflicting classifications of pathogenicity. Review status: criteria provided, conflicting classifications (1 of 4 stars). 4 submissions from 4 submitters: Uncertain significance (1); Likely benign (3). Last evaluated 2024-03-08.

Conditions:
Charcot-Marie-Tooth disease type 4. Also called: Charcot-Marie-Tooth disease, type IV; Charcot-Marie-Tooth, Type 4. Identifiers: Orphanet 64749, MedGen C4082197, MONDO:0018995.
Charcot-Marie-Tooth disease type 4F. Also called: Charcot-Marie-Tooth disease, demyelinating, type 4F. Identifiers: Orphanet 99952, MedGen C3540453, MONDO:0013959, OMIM 614895.
Inborn genetic diseases. Identifiers: MedGen C0950123, MeSH D030342.

Allele frequency attached by ClinVar (database versions not stated): TOPMed 0.00002; gnomAD 0.00006.
gnomAD v4.1: 44 of 1,613,140 alleles (0.0027%); highest among the groups gnomAD compares: East Asian, 0.0089%; no homozygotes.

Submissions (4):

Athena Diagnostics
Classification: Likely benign. Last evaluated: 2024-03-08. Review status: criteria provided, single submitter. Criteria: Athena Diagnostics Criteria. Collection method: clinical testing. Allele origin: unknown.

Labcorp Genetics (formerly Invitae), Labcorp
Classification: Likely benign for Charcot-Marie-Tooth disease type 4. Last evaluated: 2023-10-23. Review status: criteria provided, single submitter. Criteria: Invitae Variant Classification Sherloc (09022015). Collection method: clinical testing. Allele origin: germline.

Ambry Genetics
Classification: Likely benign for Inborn genetic diseases. Last evaluated: 2019-07-11. Review status: criteria provided, single submitter. Criteria: Ambry Variant Classification Scheme 2023. Collection method: clinical testing. Allele origin: germline.

Baylor Genetics
Classification: Uncertain significance for Charcot-Marie-Tooth disease type 4F. Last evaluated: 2018-04-11. Review status: criteria provided, single submitter. Criteria: ACMG Guidelines, 2015. Collection method: clinical testing. Allele origin: paternal. Affected: yes.
Comment: This variant was determined to be of uncertain significance according to ACMG Guidelines, 2015 [PMID:25741868].